The following is an entry in ClinVar:

ClinVar aggregate classification (germline): Uncertain significance (1 of 4 stars; one submission).

Allele frequency attached by ClinVar (database versions not stated): gnomAD exomes below 0.00001; TOPMed below 0.00001; gnomAD 0.00001.
gnomAD v4.1: 5 of 1,614,010 alleles (0.00031%); highest among the groups gnomAD compares: Non-Finnish European, 0.00042%; no homozygotes.

Submission:

Labcorp Genetics (formerly Invitae), Labcorp
Classification: Uncertain significance. Last evaluated: 2022-06-17. Review status: criteria provided, single submitter. Criteria: Invitae Variant Classification Sherloc (09022015). Collection method: clinical testing. Allele origin: germline.
Comment: This sequence change replaces serine, which is neutral and polar, with leucine, which is neutral and non-polar, at codon 66 of the HPS1 protein (p.Ser66Leu). This variant is not present in population databases (gnomAD no frequency). This variant has not been reported in the literature in individuals affected with HPS1-related conditions. Algorithms developed to predict the effect of missense changes on protein structure and function are either unavailable or do not agree on the potential impact of this missense change (SIFT: "Deleterious"; PolyPhen-2: "Possibly Damaging"; Align-GVGD: "Class C0"). In summary, the available evidence is currently insufficient to determine the role of this variant in disease. Therefore, it has been classified as a Variant of Uncertain Significance.

NM_000195.5(HPS1):c.197C>T (p.Ser66Leu)

Gene: HPS1 (HPS1 biogenesis of lysosomal organelles complex 3 subunit 1; minus strand). Cytogenetic location: 10q24.2.
Variant type: single nucleotide variant.
Coding change: c.197C>T on transcript NM_000195.5 (MANE Select); coding-DNA position 197, C replaced by T.
Protein change: p.Ser66Leu; replaces serine 66 with leucine.
Molecular consequence: missense variant. On other transcripts: 5 prime UTR variant (6).
Genome position (GRCh38, 1-based): chr10:98,435,693, G>A on the plus strand (C>T on the coding strand, the complement: HPS1 is on the minus strand). VCF-style: chr10-98435693-G-A. GRCh37 (hg19) VCF-style: chr10-100195450-G-A.
Other names: c.-720C>T (NM_001311345.2); c.197C>T, p.Ser66Leu (NM_001322476.2, NM_001322477.2, NM_001322478.2 and 8 more transcripts); c.-30C>T (NM_001322483.2, NM_001322484.2, NM_001322485.2); c.-819C>T (NM_001322487.2); c.-577C>T (NM_001322489.2); short protein forms S66L.
Identifiers: ClinVar variation 1959253 (VCV001959253.2), dbSNP rs1847221219, ClinGen allele CA378055603.